The following is an entry in ClinVar:

NM_177398.4(LMX1A):c.317T>G (p.Phe106Cys)

Gene: LMX1A (LIM homeobox transcription factor 1 alpha; minus strand). Cytogenetic location: 1q23.3.
Variant type: single nucleotide variant.
Coding change: c.317T>G on transcript NM_177398.4 (MANE Select); coding-DNA position 317, T replaced by G.
Protein change: p.Phe106Cys; replaces phenylalanine 106 with cysteine.
Molecular consequence: missense variant.
Genome position (GRCh38, 1-based): chr1:165,249,587, A>C on the plus strand (T>G on the coding strand, the complement: LMX1A is on the minus strand). VCF-style: chr1-165249587-A-C. GRCh37 (hg19) VCF-style: chr1-165218824-A-C.
Other names: c.317T>G, p.Phe106Cys (NM_001174069.2); c.317T>G (NM_177398.3); short protein forms F106C.
Identifiers: ClinVar variation 2664708 (VCV002664708.3), dbSNP rs2526347598, ClinGen allele CA343474257.

ClinVar aggregate classification (germline): Uncertain significance. Review status: criteria provided, multiple submitters, no conflicts (2 of 4 stars). 2 submissions from 2 submitters: Uncertain significance (2). Last evaluated 2023-07-17.

Conditions:
Autosomal dominant nonsyndromic hearing loss 7. Also called: Deafness, autosomal dominant 7. Identifiers: Orphanet 90635, MedGen C1832379, MONDO:0011074, OMIM 601412.

Allele frequency attached by ClinVar (database versions not stated): gnomAD exomes below 0.00001.
gnomAD v4.1: 1 of 1,614,208 alleles (0.000062%); highest among the groups gnomAD compares: South Asian, 0.0011%; no homozygotes.

Submissions (2):

Victorian Clinical Genetics Services, Murdoch Childrens Research Institute
Classification: Uncertain significance for Autosomal dominant nonsyndromic hearing loss 7. Last evaluated: 2023-07-17. Review status: criteria provided, single submitter. Criteria: ACMG Guidelines, 2015. Collection method: clinical testing. Allele origin: germline. Inheritance: Autosomal dominant inheritance. Affected: yes.
Comment: Based on the classification scheme VCGS_Germline_v1.3.4, this variant is classified as VUS-3B. Following criteria are met: 0102 - Loss of function is a known mechanism of disease in this gene and is associated with deafness, autosomal dominant 7 (MIM#601412). (I) 0107 - This gene is associated with autosomal dominant disease. (I) 0115 - Variants in this gene are known to have variable expressivity (PMID: 29754270). (I) 0200 - Variant is predicted to result in a missense amino acid change from phenylalanine to cysteine. (I) 0251 - This variant is heterozygous. (I) 0301 - Variant is absent from gnomAD (both v2 and v3). (SP) 0501 - Missense variant consistently predicted to be damaging by multiple in silico tools or highly conserved with a major amino acid change. (SP) 0600 - Variant is located in the annotated LIM domain (DECIPHER). (I) 0705 - No comparable missense variants have previous evidence for pathogenicity. (I) 0807 - This variant has no previous evidence of pathogenicity. (I) 0905 - No published segregation evidence has been identified for this variant. (I) 1007 - No published functional evidence has been identified for this variant. (I) 1208 - Inheritance information for this variant is not currently available in this individual. (I) Legend: (SP) - Supporting pathogenic, (I) - Information, (SB) - Supporting benign

Genetics and Molecular Pathology, SA Pathology
Classification: Uncertain significance for Autosomal dominant nonsyndromic hearing loss 7. Last evaluated: 2023-02-16. Review status: criteria provided, single submitter. Criteria: ACMG Guidelines, 2015. Collection method: clinical testing. Allele origin: germline. Affected: yes.

Literature cited by the submitters: PubMed 29754270 (cited by Victorian Clinical Genetics Services, Murdoch Childrens Research Institute).